The following is an entry in ClinVar:

NM_004373.4(COX6A1):c.19T>A (p.Ser7Thr)

Gene: COX6A1 (cytochrome c oxidase subunit 6A1; plus strand). Cytogenetic location: 12q24.31.
Variant type: single nucleotide variant.
Coding change: c.19T>A on transcript NM_004373.4 (MANE Select); coding-DNA position 19, T replaced by A.
Protein change: p.Ser7Thr; replaces serine 7 with threonine.
Molecular consequence: missense variant.
Genome position (GRCh38, 1-based): chr12:120,438,145, T>A. VCF-style: chr12-120438145-T-A. GRCh37 (hg19) VCF-style: chr12-120875948-T-A.
Other names: p.Ser7Thr; short protein forms S7T.
Identifiers: ClinVar variation 2192362 (VCV002192362.2), dbSNP rs567294603, ClinGen allele CA6827947.
Genomic context (GRCh38, chr12:120,438,145, plus strand): 5'-TTTCCACTTCCGCTTCCGGCGCTGCGGCAGTCCAGATCAAAAATGGCGGTAGTTGGTGTG[T>A]CCTCGGTTTCTCGGCTGCTGGGTCGGTCCCGCCCACAGCTGGGGCGGCCTATGTCGAGTG-3'
Protein context (NP_004364.2, residues 1-17): MAVVGV[Ser7Thr]SVSRLLGRSR

ClinVar aggregate classification (germline): Uncertain significance. Review status: criteria provided, multiple submitters, no conflicts (2 of 4 stars). 2 submissions from 2 submitters: Uncertain significance (2). Last evaluated 2024-08-30.

Allele frequency attached by ClinVar (database versions not stated): gnomAD 0.00001; TOPMed 0.00001; ExAC 0.00002; 1000 Genomes Project 30x 0.00016; 1000 Genomes Project 0.00020.
gnomAD v4.1: 10 of 1,613,628 alleles (0.00062%); highest among the groups gnomAD compares: East Asian, 0.0022%; no homozygotes.

Submissions (2):

Mayo Clinic Laboratories, Mayo Clinic
Classification: Uncertain significance. Last evaluated: 2024-08-30. Review status: criteria provided, single submitter. Criteria: ACMG Guidelines, 2015. Collection method: clinical testing. Allele origin: germline. Observed: 1 variant allele.
Comment: BP4

Labcorp Genetics (formerly Invitae), Labcorp
Classification: Uncertain significance. Last evaluated: 2022-01-05. Review status: criteria provided, single submitter. Criteria: Invitae Variant Classification Sherloc (09022015). Collection method: clinical testing. Allele origin: germline.
Comment: This sequence change replaces serine, which is neutral and polar, with threonine, which is neutral and polar, at codon 7 of the COX6A1 protein (p.Ser7Thr). This variant is present in population databases (rs567294603, gnomAD 0.006%). This variant has not been reported in the literature in individuals affected with COX6A1-related conditions. Algorithms developed to predict the effect of missense changes on protein structure and function are either unavailable or do not agree on the potential impact of this missense change (SIFT: "Tolerated"; PolyPhen-2: "Not Available"; Align-GVGD: "Class C0"). In summary, the available evidence is currently insufficient to determine the role of this variant in disease. Therefore, it has been classified as a Variant of Uncertain Significance.